The following is an entry in ClinVar:

NM_022168.4(IFIH1):c.2755G>T (p.Asp919Tyr)

Gene: IFIH1 (interferon induced with helicase C domain 1; minus strand). Cytogenetic location: 2q24.2.
Variant type: single nucleotide variant.
Coding change: c.2755G>T on transcript NM_022168.4 (MANE Select); coding-DNA position 2755, G replaced by T.
Protein change: p.Asp919Tyr; replaces aspartic acid 919 with tyrosine.
Molecular consequence: missense variant.
Genome position (GRCh38, 1-based): chr2:162,268,139, C>A on the plus strand (G>T on the coding strand, the complement: IFIH1 is on the minus strand). VCF-style: chr2-162268139-C-A. GRCh37 (hg19) VCF-style: chr2-163124649-C-A.
Other names: short protein forms D919Y.
Identifiers: ClinVar variation 2951118 (VCV002951118.3), dbSNP rs2468944525, ClinGen allele CA348990810.

ClinVar aggregate classification (germline): Uncertain significance (1 of 4 stars; one submission).

Conditions:
Singleton-Merten syndrome 1 (SGMRT1). Also called: Widened medullary cavities of bone, aortic calcification, abnormal dentition, and muscular weakness; Syndrome of widened medullary cavities of the metacarpals and phalanges, aortic calcification and abnormal dentition. Identifiers: Orphanet 85191, MedGen C4225427, MONDO:0024535, OMIM 182250.
Aicardi-Goutieres syndrome 7 (AGS7). Identifiers: Orphanet 51, MedGen C3888244, MONDO:0014367, OMIM 615846.

Submission:

Labcorp Genetics (formerly Invitae), Labcorp
Classification: Uncertain significance for Aicardi-Goutieres syndrome 7; Singleton-Merten syndrome 1. Last evaluated: 2023-08-27. Review status: criteria provided, single submitter. Criteria: Invitae Variant Classification Sherloc (09022015). Collection method: clinical testing. Allele origin: germline.
Comment: In summary, the available evidence is currently insufficient to determine the role of this variant in disease. Therefore, it has been classified as a Variant of Uncertain Significance. Algorithms developed to predict the effect of missense changes on protein structure and function output the following: SIFT: "Not Available"; PolyPhen-2: "Benign"; Align-GVGD: "Not Available". The tyrosine amino acid residue is found in multiple mammalian species, which suggests that this missense change does not adversely affect protein function. This variant has not been reported in the literature in individuals affected with IFIH1-related conditions. This variant is not present in population databases (gnomAD no frequency). This sequence change replaces aspartic acid, which is acidic and polar, with tyrosine, which is neutral and polar, at codon 919 of the IFIH1 protein (p.Asp919Tyr).